The following is an entry in ClinVar:

NM_017433.5(MYO3A):c.3574dup (p.Met1192fs)

Gene: MYO3A (myosin IIIA; plus strand). Cytogenetic location: 10p12.1.
Variant type: Duplication.
Coding change: c.3574dup on transcript NM_017433.5 (MANE Select); coding-DNA position 3574, one base duplicated (A; older notation c.3574dupA).
Protein change: p.Met1192fs; shifts the reading frame from methionine 1192.
Molecular consequence: frameshift variant.
Genome position (GRCh38, 1-based): chr10:26,173,838, A duplicated; the last of 8 consecutive A bases (chr10:26,173,831-26,173,838); duplicating any one gives the same sequence. VCF-style (leftmost placement, unchanged base first): chr10-26173830-C-CA. GRCh37 (hg19) VCF-style: chr10-26462759-C-CA.
Other names: c.3574dup (NM_017433.4); short protein forms M1192fs.
Identifiers: ClinVar variation 2723457 (VCV002723457.6), dbSNP rs757810767, ClinGen allele CA5445295.

ClinVar aggregate classification (germline): Conflicting classifications of pathogenicity. Review status: criteria provided, conflicting classifications (1 of 4 stars). 3 submissions from 3 submitters: Pathogenic (1); Likely pathogenic (1); Uncertain significance (1). Last evaluated 2026-02-17.

Conditions:
MYO3A-related disorder. Also called: MYO3A-related condition.

Submissions (3):

GeneDx
Classification: Uncertain significance. Last evaluated: 2026-02-17. Review status: criteria provided, single submitter. Criteria: GeneDx Variant Classification Process June 2021. Collection method: clinical testing. Allele origin: germline.
Comment: Frameshift variant predicted to result in protein truncation or nonsense mediated decay in a gene for which loss of function is a known mechanism of disease; Has not been previously published as pathogenic or benign to our knowledge

Labcorp Genetics (formerly Invitae), Labcorp
Classification: Pathogenic. Last evaluated: 2023-10-17. Review status: criteria provided, single submitter. Criteria: Invitae Variant Classification Sherloc (09022015). Collection method: clinical testing. Allele origin: germline.
Comment: This sequence change creates a premature translational stop signal (p.Met1192Asnfs*3) in the MYO3A gene. It is expected to result in an absent or disrupted protein product. Loss-of-function variants in MYO3A are known to be pathogenic (PMID: 12032315, 23990876). The frequency data for this variant in the population databases is considered unreliable, as metrics indicate poor data quality at this position in the gnomAD database. This variant has not been reported in the literature in individuals affected with MYO3A-related conditions. For these reasons, this variant has been classified as Pathogenic.

Blueprint Genetics
Classification: Likely pathogenic for MYO3A-related disorders. Last evaluated: 2021-07-14. Review status: criteria provided, single submitter. Criteria: ACMG Guidelines, 2015. Collection method: clinical testing. Allele origin: germline. Affected: yes. Observed: 1 variant allele.

Literature cited by the submitters: PubMed 12032315 (cited by Labcorp Genetics (formerly Invitae), Labcorp); PubMed 23990876 (cited by Labcorp Genetics (formerly Invitae), Labcorp).